The following is an entry in ClinVar:

ClinVar aggregate classification (germline): Pathogenic (1 of 4 stars; one submission).

Conditions:
Cystic fibrosis (CF). Also called: MUCOVISCIDOSIS. Identifiers: Orphanet 586, MedGen C0010674, MONDO:0009061, OMIM 219700. Disease mechanism: loss of function.

Submission:

Labcorp Genetics (formerly Invitae), Labcorp
Classification: Pathogenic for Cystic fibrosis. Last evaluated: 2024-01-25. Review status: criteria provided, single submitter. Criteria: Invitae Variant Classification Sherloc (09022015). Collection method: clinical testing. Allele origin: unknown.
Comment: This variant is a gross deletion of the genomic region encompassing exon(s) 2-3 of the CFTR gene. This deletion is out-of-frame, and is expected to create a premature termination codon and result in an absent or disrupted protein product. Loss-of-function variants in CFTR are known to be pathogenic (PMID: 1695717, 7691345, 9725922). A similar copy number variant has been observed in individuals with cystic fibrosis (PMID: 10798353, 18683213, 20560922, 21228398, 23687349, 23775370, 23974870). This variant is also known as CFTRdele2,3, CFTRdel2,3, and deletion of introns 1-3. For these reasons, this variant has been classified as Pathogenic.

Literature cited by the submitters: PubMed 1695717; PubMed 7691345; PubMed 9725922; PubMed 10798353; PubMed 18683213; PubMed 20560922; PubMed 21228398; PubMed 23687349; PubMed 23775370; PubMed 23974870.

NC_000007.14:g.(?_117504233)_(117509162_?)del

Genes: CFTR (CF transmembrane conductance regulator; plus strand), LOC113664106 (CFTR intron 2 DNase I hypersensitive site; plus strand). Cytogenetic location: 7q31.2.
Variant type: Deletion.
Identifiers: ClinVar variation 3245680 (VCV003245680.1).